The following is an entry in ClinVar:

ClinVar aggregate classification (germline): Pathogenic (1 of 4 stars; one submission).

Conditions:
Deficiency of butyryl-CoA dehydrogenase (ACADSD). Also called: SCAD DEFICIENCY, MILD; ACYL-CoA DEHYDROGENASE, SHORT-CHAIN, DEFICIENCY OF; SCAD Deficiency; ACADS DEFICIENCY; Short-Chain Acyl-CoA Dehydrogenase Deficiency; SCADH DEFICIENCY. Identifiers: Orphanet 26792, MedGen C0342783, MONDO:0008722, OMIM 201470. Disease mechanism: May be benign.

Submission:

Labcorp Genetics (formerly Invitae), Labcorp
Classification: Pathogenic for Deficiency of butyryl-CoA dehydrogenase. Last evaluated: 2024-12-19. Review status: criteria provided, single submitter. Criteria: Invitae Variant Classification Sherloc (09022015). Collection method: clinical testing. Allele origin: germline.
Comment: This sequence change creates a premature translational stop signal (p.Asn188Glyfs*54) in the ACADS gene. It is expected to result in an absent or disrupted protein product. Loss-of-function variants in ACADS are known to be pathogenic (PMID: 12736383, 18523805). This variant is not present in population databases (gnomAD no frequency). This variant has not been reported in the literature in individuals affected with ACADS-related conditions. For these reasons, this variant has been classified as Pathogenic.

Literature cited by the submitters: PubMed 12736383; PubMed 18523805.

NM_000017.4(ACADS):c.561_568del (p.Asn188fs)

Gene: ACADS (acyl-CoA dehydrogenase short chain; plus strand). Cytogenetic location: 12q24.31.
Variant type: Deletion.
Coding change: c.561_568del on transcript NM_000017.4 (MANE Select); coding-DNA positions 561 to 568, 8 bases deleted (CAATGCCT; older notation c.561_568delCAATGCCT).
Protein change: p.Asn188fs; shifts the reading frame from asparagine 188.
Molecular consequence: frameshift variant. On other transcripts: intron variant (1).
Genome position (GRCh38, 1-based): chr12:120,737,925-120,737,932, CAATGCCT deleted. VCF-style (leftmost placement, unchanged base first): chr12-120737924-CCAATGCCT-C. GRCh37 (hg19) VCF-style: chr12-121175727-CCAATGCCT-C.
Other names: c.473-124_473-117del (NM_001302554.2); short protein forms N188fs.
Identifiers: ClinVar variation 3727600 (VCV003727600.2).
Genomic context (GRCh38, chr12:120,737,924, plus strand): 5'-CCACCACCGCCCGGGCCGAGGGCGACTCATGGGTTCTGAATGGAACCAAAGCCTGGATCA[CCAATGCCT>C]GGGAGGCTTCGGCTGCCGTGGTCTTTGCCAGCACGGACAGAGCCCTGCAAAACAAGGTGG-3'